The following is an entry in ClinVar:

NM_001267550.2(TTN):c.15659A>G (p.Asn5220Ser)

Gene: TTN (titin; minus strand). Cytogenetic location: 2q31.2.
Variant type: single nucleotide variant.
Coding change: c.15659A>G on transcript NM_001267550.2 (MANE Select); coding-DNA position 15659, A replaced by G.
Protein change: p.Asn5220Ser; replaces asparagine 5220 with serine.
Molecular consequence: missense variant. On other transcripts: intron variant (3).
Genome position (GRCh38, 1-based): chr2:178,733,730, T>C on the plus strand (A>G on the coding strand, the complement: TTN is on the minus strand). VCF-style: chr2-178733730-T-C. GRCh37 (hg19) VCF-style: chr2-179598457-T-C.
Other names: c.14708A>G, p.Asn4903Ser (NM_001256850.1); c.11927A>G, p.Asn3976Ser (NM_133378.4); c.13282+4352A>G (NM_003319.4); c.13858+4352A>G (NM_133437.4); c.13657+4352A>G (NM_133432.3); short protein forms N4903S, N3976S, N5220S.
Identifiers: ClinVar variation 679601 (VCV000679601.4), dbSNP rs565670799, ClinGen allele CA2002186.

ClinVar aggregate classification (germline): Likely benign. Review status: criteria provided, single submitter (1 of 4 stars). 2 submissions from 2 submitters: Likely benign (1). 1 of the submissions does not count toward it. Last evaluated 2020-06-11.

Allele frequency attached by ClinVar (database versions not stated): TOPMed 0.00002; gnomAD 0.00003 and 0.00005; gnomAD exomes 0.00003; ExAC 0.00004; 1000 Genomes Project 30x 0.00016; 1000 Genomes Project 0.00020.
gnomAD v4.1: 51 of 1,613,872 alleles (0.0032%); highest among the groups gnomAD compares: South Asian, 0.04%; no homozygotes.

Submissions (2):

GeneDx
Classification: Likely benign. Last evaluated: 2020-06-11. Review status: criteria provided, single submitter. Criteria: GeneDx Variant Classification Process June 2021. Collection method: clinical testing. Allele origin: germline. Affected: yes.

Department of Pathology and Laboratory Medicine, Sinai Health System
Classification: Uncertain significance. Review status: no assertion criteria provided. Collection method: clinical testing. Allele origin: unknown. Affected: yes. Study: The Canadian Open Genetics Repository (COGR). Not counted in ClinVar's aggregate classification.
Comment: The TTN p.N5220S variant was not identified in the literature nor was it identified in Cosmic or LOVD 3.0. The variant was identified in dbSNP (ID: rs565670799) and in ClinVar (classified as likely benign by GeneDx). The variant was identified in control databases in 9 of 280324 chromosomes at a frequency of 0.00003211 (Genome Aggregation Database March 6, 2019, v2.1.1). The variant was observed in the following populations: South Asian in 8 of 30600 chromosomes (freq: 0.000261) and European (non-Finnish) in 1 of 128132 chromosomes (freq: 0.000008), but was not observed in the African, Latino, Ashkenazi Jewish, East Asian, European (Finnish), or Other populations. The p.Asn5220 residue has limited species conservation data and computational analyses (BLOSUM, MutationTaster) do not suggest a high likelihood of impact to the protein; this information is not predictive enough to rule out pathogenicity. The variant occurs outside of the splicing consensus sequence and two of four in silico or computational prediction software programs (SpliceSiteFinder, MaxEntScan, NNSPLICE, GeneSplicer) predict a greater than 10% difference in splicing; this is not very predictive of pathogenicity. In summary, based on the above information the clinical significance of this variant cannot be determined with certainty at this time. This variant is classified as a variant of uncertain significance.